The following is an entry in ClinVar:

ClinVar aggregate classification (germline): Uncertain significance (1 of 4 stars; one submission).

gnomAD v4.1: 17 of 1,613,586 alleles (0.0011%); highest among the groups gnomAD compares: South Asian, 0.018%; no homozygotes.

Submission:

GeneDx
Classification: Uncertain significance. Last evaluated: 2025-03-14. Review status: criteria provided, single submitter. Criteria: GeneDx Variant Classification Process June 2021. Collection method: clinical testing. Allele origin: germline. Affected: yes.
Comment: In silico analysis supports that this missense variant has a deleterious effect on protein structure/function; Has not been previously published as pathogenic or benign to our knowledge; Not located in one of the three hot-spot regions of the RYR2 gene, where the majority of pathogenic missense variants occur (PMID: 19926015); This variant is associated with the following publications: (PMID: 19926015)

NM_001035.3(RYR2):c.2642T>A (p.Ile881Lys)

Gene: RYR2 (ryanodine receptor 2; plus strand). Cytogenetic location: 1q43.
Variant type: single nucleotide variant.
Coding change: c.2642T>A on transcript NM_001035.3 (MANE Select); coding-DNA position 2642, T replaced by A.
Protein change: p.Ile881Lys; replaces isoleucine 881 with lysine.
Molecular consequence: missense variant.
Genome position (GRCh38, 1-based): chr1:237,506,738, T>A. VCF-style: chr1-237506738-T-A. GRCh37 (hg19) VCF-style: chr1-237670038-T-A.
Other names: short protein forms I881K.
Identifiers: ClinVar variation 4083248 (VCV004083248.1).